The following is an entry in ClinVar:

ClinVar aggregate classification (germline): Uncertain significance. Review status: criteria provided, multiple submitters, no conflicts (2 of 4 stars). 2 submissions from 2 submitters: Uncertain significance (2). Last evaluated 2025-12-11.

Allele frequency attached by ClinVar (database versions not stated): ExAC 0.00003; gnomAD 0.00003 and 0.00004; TOPMed 0.00003.
gnomAD v4.1: 82 of 1,606,920 alleles (0.0051%); highest among the groups gnomAD compares: Non-Finnish European, 0.0065%; no homozygotes.

Submissions (2):

Labcorp Genetics (formerly Invitae), Labcorp
Classification: Uncertain significance. Last evaluated: 2025-12-11. Review status: criteria provided, single submitter. Criteria: Invitae Variant Classification Sherloc (09022015). Collection method: clinical testing. Allele origin: germline.
Comment: This sequence change replaces arginine, which is basic and polar, with glycine, which is neutral and non-polar, at codon 413 of the DOCK6 protein (p.Arg413Gly). This variant is present in population databases (rs763398919, gnomAD 0.004%). This variant has not been reported in the literature in individuals affected with DOCK6-related conditions. ClinVar contains an entry for this variant (Variation ID: 376969). Invitae Evidence Modeling of protein sequence and biophysical properties (such as structural, functional, and spatial information, amino acid conservation, physicochemical variation, residue mobility, and thermodynamic stability) has been performed for this missense variant. However, the output from this modeling did not meet the statistical confidence thresholds required to predict the impact of this variant on DOCK6 protein function. In summary, the available evidence is currently insufficient to determine the role of this variant in disease. Therefore, it has been classified as a Variant of Uncertain Significance.

Center for Pediatric Genomic Medicine, Children's Mercy Hospital and Clinics
Classification: Uncertain significance. Last evaluated: 2016-09-22. Review status: criteria provided, single submitter. Criteria: ACMG Guidelines, 2015. Collection method: clinical testing. Allele origin: germline.
ClinVar note: Converted during submission from Uncertain Significance to Uncertain significance.

NM_020812.4(DOCK6):c.1237C>G (p.Arg413Gly)

Gene: DOCK6 (dedicator of cytokinesis 6; minus strand). Cytogenetic location: 19p13.2.
Variant type: single nucleotide variant.
Coding change: c.1237C>G on transcript NM_020812.4 (MANE Select); coding-DNA position 1237, C replaced by G.
Protein change: p.Arg413Gly; replaces arginine 413 with glycine.
Molecular consequence: missense variant.
Genome position (GRCh38, 1-based): chr19:11,243,578, G>C on the plus strand (C>G on the coding strand, the complement: DOCK6 is on the minus strand). VCF-style: chr19-11243578-G-C. GRCh37 (hg19) VCF-style: chr19-11354254-G-C.
Other names: c.1237C>G, p.Arg413Gly (NM_001367830.1); short protein forms R413G.
Identifiers: ClinVar variation 376969 (VCV000376969.4), dbSNP rs763398919, ClinGen allele CA9208213.